The following is an entry in ClinVar:

NM_006648.4(WNK2):c.2564C>T (p.Pro855Leu)

Gene: WNK2 (WNK lysine deficient protein kinase 2; plus strand). Cytogenetic location: 9q22.31.
Variant type: single nucleotide variant.
Coding change: c.2564C>T on transcript NM_006648.4 (MANE Select); coding-DNA position 2564, C replaced by T.
Protein change: p.Pro855Leu; replaces proline 855 with leucine.
Molecular consequence: missense variant.
Genome position (GRCh38, 1-based): chr9:93,259,112, C>T. VCF-style: chr9-93259112-C-T. GRCh37 (hg19) VCF-style: chr9-96021394-C-T.
Other names: c.2564C>T, p.Pro855Leu (NM_001282394.3); short protein forms P855L.
Identifiers: ClinVar variation 4201754 (VCV004201754.1).

ClinVar aggregate classification (germline): Uncertain significance (1 of 4 stars; one submission).

gnomAD v4.1: 1 of 1,612,438 alleles (0.000062%); highest among the groups gnomAD compares: Non-Finnish European, 0.000085%; no homozygotes.

Submission:

Ambry Genetics
Classification: Uncertain significance. Last evaluated: 2025-08-14. Review status: criteria provided, single submitter. Criteria: Ambry Variant Classification Scheme 2023. Collection method: clinical testing. Allele origin: germline.
Comment: The p.P855L variant (also known as c.2564C>T), located in coding exon 11 of the WNK2 gene, results from a C to T substitution at nucleotide position 2564. The proline at codon 855 is replaced by leucine, an amino acid with similar properties. This amino acid position is conserved. In addition, the in silico prediction for this alteration is inconclusive. Based on the available evidence, the clinical significance of this variant remains unclear.